The following is an entry in ClinVar:

NM_000553.6(WRN):c.2067C>T (p.Ser689=)

Gene: WRN (WRN RecQ like helicase; plus strand). Cytogenetic location: 8p12.
Variant type: single nucleotide variant.
Coding change: c.2067C>T on transcript NM_000553.6 (MANE Select); coding-DNA position 2067, C replaced by T.
Protein change: p.Ser689=; no amino-acid change (serine 689 retained).
Molecular consequence: synonymous variant.
Genome position (GRCh38, 1-based): chr8:31,100,934, C>T. VCF-style: chr8-31100934-C-T. GRCh37 (hg19) VCF-style: chr8-30958450-C-T.
Identifiers: ClinVar variation 238134 (VCV000238134.24), dbSNP rs191757062, ClinGen allele CA4704609.
Genomic context (GRCh38, chr8:31,100,934, plus strand): 5'-GGCTCACTGTATTTCTGAGTGGGGGCATGATTTTAGGGATTCATTCAGGAAGTTGGGCTC[C>T]CTAAAGACAGCACTGCCAATGGTAAGCTTTGCCAAGTCTGATGTCCCGAAATTACATTCT-3'
Protein context (NP_000544.2, residues 679-699): DFRDSFRKLG[Ser689=]LKTALPMVPI

ClinVar aggregate classification (germline): Conflicting classifications of pathogenicity. Review status: criteria provided, conflicting classifications (1 of 4 stars). 4 submissions from 4 submitters: Uncertain significance (1); Likely benign (2). 1 of the submissions does not count toward it. Last evaluated 2026-07-01.

Conditions:
WRN-related disorder. Also called: WRN-related condition.
Werner syndrome (WRN). Identifiers: Orphanet 902, MedGen C0043119, MONDO:0010196, OMIM 277700.

Allele frequency attached by ClinVar (database versions not stated): ExAC 0.00003; gnomAD exomes 0.00008 and 0.00014; gnomAD 0.00010 and 0.00011; TOPMed 0.00011; 1000 Genomes Project 30x 0.00016; 1000 Genomes Project 0.00020.

Submissions (4):

CeGaT Center for Human Genetics Tuebingen
Classification: Likely benign. Last evaluated: 2026-07-01. Review status: criteria provided, single submitter. Criteria: CeGaT Center For Human Genetics Tuebingen Variant Classification Criteria Version 2. Collection method: clinical testing. Allele origin: germline. Affected: yes. Observed: 2 variant alleles.
Comment: WRN: BP4, BP7

Labcorp Genetics (formerly Invitae), Labcorp
Classification: Likely benign for Werner syndrome. Last evaluated: 2025-12-22. Review status: criteria provided, single submitter. Criteria: Invitae Variant Classification Sherloc (09022015). Collection method: clinical testing. Allele origin: germline.

Eurofins Ntd Llc (ga)
Classification: Uncertain significance. Last evaluated: 2017-01-23. Review status: criteria provided, single submitter. Criteria: EGL Classification Definitions 2015. Collection method: clinical testing. Allele origin: germline. Observed: 1 variant allele, 1 heterozygote.

PreventionGenetics, part of Exact Sciences
Classification: Likely benign for WRN-related condition. Last evaluated: 2022-04-18. Review status: no assertion criteria provided. Collection method: clinical testing. Allele origin: germline. Not counted in ClinVar's aggregate classification.
Comment: This variant is classified as likely benign based on ACMG/AMP sequence variant interpretation guidelines (Richards et al. 2015 PMID: 25741868, with internal and published modifications).